The following is an entry in ClinVar:

ClinVar aggregate classification (germline): Likely benign (1 of 4 stars; one submission).

Allele frequency attached by ClinVar (database versions not stated): ExAC 0.00002; TOPMed 0.00002; gnomAD 0.00003; gnomAD exomes 0.00005.
gnomAD v4.1: 81 of 1,613,808 alleles (0.005%); highest among the groups gnomAD compares: Non-Finnish European, 0.0064%; no homozygotes.

Submission:

CeGaT Center for Human Genetics Tuebingen
Classification: Likely benign. Last evaluated: 2024-06-01. Review status: criteria provided, single submitter. Criteria: CeGaT Center For Human Genetics Tuebingen Variant Classification Criteria Version 2. Collection method: clinical testing. Allele origin: germline. Affected: yes. Observed: 1 variant allele.
Comment: MMP19: BP4, BP7

NM_002429.6(MMP19):c.225C>T (p.Ala75=)

Gene: MMP19 (matrix metallopeptidase 19; minus strand). Cytogenetic location: 12q13.2.
Variant type: single nucleotide variant.
Coding change: c.225C>T on transcript NM_002429.6 (MANE Select); coding-DNA position 225, C replaced by T.
Protein change: p.Ala75=; no amino-acid change (alanine 75 retained).
Molecular consequence: synonymous variant. On other transcripts: non-coding transcript variant (2).
Genome position (GRCh38, 1-based): chr12:55,841,185, G>A on the plus strand (C>T on the coding strand, the complement: MMP19 is on the minus strand). VCF-style: chr12-55841185-G-A. GRCh37 (hg19) VCF-style: chr12-56234969-G-A.
Other names: c.225C>T, p.Ala75= (NM_001272101.2, NM_001414375.1); c.-13C>T (NM_022791.2).
Identifiers: ClinVar variation 3250836 (VCV003250836.18), dbSNP rs758491587.